The following is an entry in ClinVar:

ClinVar aggregate classification (germline): Uncertain significance. Review status: criteria provided, multiple submitters, no conflicts (2 of 4 stars). 2 submissions from 2 submitters: Uncertain significance (2). Last evaluated 2025-10-21.

Conditions:
Epidermolysis bullosa dystrophica. Also called: Dystrophic epidermolysis bullosa, Hallopeau-Siemens type (formerly); Dystrophic epidermolysis bullosa. Identifiers: Orphanet 303, MedGen C0079294, MONDO:0006543.

Allele frequency attached by ClinVar (database versions not stated): gnomAD below 0.00001 and 0.00001; TOPMed below 0.00001; ExAC 0.00001; gnomAD exomes 0.00001.
gnomAD v4.1: 9 of 1,613,642 alleles (0.00056%); highest among the groups gnomAD compares: South Asian, 0.0099%; no homozygotes.

Submissions (2):

Labcorp Genetics (formerly Invitae), Labcorp
Classification: Uncertain significance. Last evaluated: 2025-10-21. Review status: criteria provided, single submitter. Criteria: Invitae Variant Classification Sherloc (09022015). Collection method: clinical testing. Allele origin: germline.
Comment: This sequence change falls in intron 110 of the COL7A1 gene. It does not directly change the encoded amino acid sequence of the COL7A1 protein. It affects a nucleotide within the consensus splice site. This variant is present in population databases (rs761592627, gnomAD 0.006%). This variant has not been reported in the literature in individuals affected with COL7A1-related conditions. ClinVar contains an entry for this variant (Variation ID: 345797). Variants that disrupt the consensus splice site are a relatively common cause of aberrant splicing (PMID: 17576681, 9536098). Algorithms developed to predict the effect of sequence changes on RNA splicing suggest that this variant may disrupt the consensus splice site. In summary, the available evidence is currently insufficient to determine the role of this variant in disease. Therefore, it has been classified as a Variant of Uncertain Significance.

Illumina Laboratory Services, Illumina
Classification: Uncertain significance for Dystrophic epidermolysis bullosa. Last evaluated: 2018-01-12. Review status: criteria provided, single submitter. Criteria: ICSL Variant Classification Criteria 13 December 2019. Collection method: clinical testing. Allele origin: germline.

Literature cited by the submitters: PubMed 17576681 (cited by Labcorp Genetics (formerly Invitae), Labcorp); PubMed 9536098 (cited by Labcorp Genetics (formerly Invitae), Labcorp).

NM_000094.4(COL7A1):c.8227-3C>T

Gene: COL7A1 (collagen type VII alpha 1 chain; minus strand). Cytogenetic location: 3p21.31.
Variant type: single nucleotide variant.
Coding change: c.8227-3C>T on transcript NM_000094.4 (MANE Select); 3 bases into the intron before coding-DNA position 8227, C replaced by T.
Molecular consequence: intron variant.
Genome position (GRCh38, 1-based): chr3:48,566,740, G>A on the plus strand (C>T on the coding strand, the complement: COL7A1 is on the minus strand). VCF-style: chr3-48566740-G-A. GRCh37 (hg19) VCF-style: chr3-48604173-G-A.
Identifiers: ClinVar variation 345797 (VCV000345797.9), dbSNP rs761592627, ClinGen allele CA2378114.